The following is an entry in ClinVar:

NM_145728.3(SYNM):c.801G>A (p.Glu267=)

Gene: SYNM (synemin; plus strand). Cytogenetic location: 15q26.3.
Variant type: single nucleotide variant.
Coding change: c.801G>A on transcript NM_145728.3 (MANE Select); coding-DNA position 801, G replaced by A.
Protein change: p.Glu267=; no amino-acid change (glutamic acid 267 retained).
Molecular consequence: synonymous variant.
Genome position (GRCh38, 1-based): chr15:99,106,000, G>A. VCF-style: chr15-99106000-G-A. GRCh37 (hg19) VCF-style: chr15-99646205-G-A.
Other names: c.801G>A, p.Glu267= (NM_015286.6).
Identifiers: ClinVar variation 3053948 (VCV003053948.1), dbSNP rs2543077033, ClinGen allele CA492680777.

ClinVar aggregate classification (germline): Benign (1 of 4 stars; one submission).

Conditions:
SYNM-related disorder. Also called: SYNM-related condition.

Submission:

PreventionGenetics, part of Exact Sciences
Classification: Benign for SYNM-related condition. Last evaluated: 2020-04-20. Review status: criteria provided, single submitter. Criteria: ACMG Guidelines, 2015. Collection method: clinical testing. Allele origin: germline.
Comment: This variant is classified as benign based on ACMG/AMP sequence variant interpretation guidelines (Richards et al. 2015 PMID: 25741868, with internal and published modifications).